The following is an entry in ClinVar:

ClinVar aggregate classification (germline): Uncertain significance. Review status: criteria provided, multiple submitters, no conflicts (2 of 4 stars). 2 submissions from 2 submitters: Uncertain significance (2). Last evaluated 2024-11-20.

Conditions:
Hereditary pancreatitis (PCTT). Also called: Hereditary chronic pancreatitis; PRSS1-Related Hereditary Pancreatitis. Identifiers: Orphanet 676, MedGen C0238339, MONDO:0008185, OMIM 167800.

gnomAD v4.1: 1 of 1,614,206 alleles (0.000062%); highest among the groups gnomAD compares: Non-Finnish European, 0.000085%; no homozygotes.

Submissions (2):

Labcorp Genetics (formerly Invitae), Labcorp
Classification: Uncertain significance. Last evaluated: 2024-11-20. Review status: criteria provided, single submitter. Criteria: Invitae Variant Classification Sherloc (09022015). Collection method: clinical testing. Allele origin: germline.
Comment: This sequence change replaces proline, which is neutral and non-polar, with glutamine, which is neutral and polar, at codon 140 of the CPA1 protein (p.Pro140Gln). This variant is not present in population databases (gnomAD no frequency). This variant has not been reported in the literature in individuals affected with CPA1-related conditions. ClinVar contains an entry for this variant (Variation ID: 1738612). Invitae Evidence Modeling of protein sequence and biophysical properties (such as structural, functional, and spatial information, amino acid conservation, physicochemical variation, residue mobility, and thermodynamic stability) indicates that this missense variant is not expected to disrupt CPA1 protein function with a negative predictive value of 80%. In summary, the available evidence is currently insufficient to determine the role of this variant in disease. Therefore, it has been classified as a Variant of Uncertain Significance.

Ambry Genetics
Classification: Uncertain significance for Hereditary pancreatitis. Last evaluated: 2024-06-28. Review status: criteria provided, single submitter. Criteria: Ambry Variant Classification Scheme 2023. Collection method: clinical testing. Allele origin: germline.
Comment: The p.P140Q variant (also known as c.419C>A), located in coding exon 4 of the CPA1 gene, results from a C to A substitution at nucleotide position 419. The proline at codon 140 is replaced by glutamine, an amino acid with similar properties. This amino acid position is conserved. In addition, this alteration is predicted to be tolerated by in silico analysis. Since supporting evidence is limited at this time, the clinical significance of this alteration remains unclear.

NM_001868.4(CPA1):c.419C>A (p.Pro140Gln)

Gene: CPA1 (carboxypeptidase A1; plus strand). Cytogenetic location: 7q32.2.
Variant type: single nucleotide variant.
Coding change: c.419C>A on transcript NM_001868.4 (MANE Select); coding-DNA position 419, C replaced by A.
Protein change: p.Pro140Gln; replaces proline 140 with glutamine.
Molecular consequence: missense variant.
Genome position (GRCh38, 1-based): chr7:130,382,145, C>A. VCF-style: chr7-130382145-C-A. GRCh37 (hg19) VCF-style: chr7-130021986-C-A.
Other names: short protein forms P140Q.
Identifiers: ClinVar variation 1738612 (VCV001738612.5), dbSNP rs1186893434, ClinGen allele CA369280917.
Genomic context (GRCh38, chr7:130,382,145, plus strand): 5'-TGGTCTCTTCTTTCACACCTCAGATCTATGACTTCCTGGACCTGCTGGTGGCGGAGAACC[C>A]GCACCTTGTCAGCAAGATCCAGATTGGCAACACCTATGAAGGGCGTCCCATTTACGTGCT-3'
Protein context (NP_001859.1, residues 130-150): DFLDLLVAEN[Pro140Gln]HLVSKIQIGN